The following is an entry in ClinVar:

ClinVar aggregate classification (germline): Pathogenic (1 of 4 stars; one submission).

Submission:

GeneDx
Classification: Pathogenic. Last evaluated: 2022-01-27. Review status: criteria provided, single submitter. Criteria: GeneDx Variant Classification Process June 2021. Collection method: clinical testing. Allele origin: germline. Affected: yes.
Comment: Canonical splice site variant expected to result in aberrant splicing, although in the absence of functional evidence the actual effect of this sequence change is unknown.; Not observed at significant frequency in large population cohorts (gnomAD); Has not been previously published as pathogenic or benign to our knowledge

NM_015570.4(AUTS2):c.624+2T>C

Gene: AUTS2 (activator of transcription and developmental regulator AUTS2; plus strand). Cytogenetic location: 7q11.22.
Variant type: single nucleotide variant.
Coding change: c.624+2T>C on transcript NM_015570.4 (MANE Select); the canonical splice donor site of the intron after coding-DNA position 624, T replaced by C.
Molecular consequence: splice donor variant.
Genome position (GRCh38, 1-based): chr7:70,118,235, T>C. VCF-style: chr7-70118235-T-C. GRCh37 (hg19) VCF-style: chr7-69583221-T-C.
Other names: c.624+2T>C (NM_001127231.3, NM_001127232.3).
Identifiers: ClinVar variation 420780 (VCV000420780.4), dbSNP rs1064794696, ClinGen allele CA16618552.